The following is an entry in ClinVar:

ClinVar aggregate classification (germline): Uncertain significance (1 of 4 stars; one submission).

Submission:

Women's Health and Genetics/Laboratory Corporation of America, LabCorp
Classification: Uncertain significance. Last evaluated: 2024-01-19. Review status: criteria provided, single submitter. Criteria: LabCorp Variant Classification Summary - May 2015. Collection method: clinical testing. Allele origin: germline.
Comment: Variant summary: The variant identified by MLPA or other technology involves the duplication of exons 1-22 (i.e. the full coding sequence) in the RPS6KA3 gene. A presumed nomenclature of c.(?_-278)_(*5488_?)dup has been designated for the purposes of this classification. Since the exact break points of this duplication are not known, it might extend beyond the assayed region of the RPS6KA3 gene. A large duplication variant (350kb) involving the RPS6KA3 gene was found at a frequency of 0.00013 in 15814 control chromosomes including 1 hemizygote in the gnomAD database, structural variants dataset. To our knowledge, no occurrence of c.(?_-278)_(*5488_?)dup in individuals affected with Coffin-Lowry Syndrome and no experimental evidence demonstrating its impact on protein function have been reported. No submitters have cited clinical-significance assessments for this variant to ClinVar. Based on the evidence outlined above, the variant was classified as uncertain significance.

NC_000023.10:g.(?_20168028)_(20285028_?)dup

Gene: RPS6KA3 (ribosomal protein S6 kinase A3; minus strand). Cytogenetic location: Xp22.12.
Variant type: Duplication.
Identifiers: ClinVar variation 3063989 (VCV003063989.1).